The following is an entry in ClinVar:

NM_007118.4(TRIO):c.6840G>C (p.Leu2280Phe)

Gene: TRIO (trio Rho guanine nucleotide exchange factor; plus strand). Cytogenetic location: 5p15.2.
Variant type: single nucleotide variant.
Coding change: c.6840G>C on transcript NM_007118.4 (MANE Select); coding-DNA position 6840, G replaced by C.
Protein change: p.Leu2280Phe; replaces leucine 2280 with phenylalanine.
Molecular consequence: missense variant. On other transcripts: non-coding transcript variant (1).
Genome position (GRCh38, 1-based): chr5:14,487,468, G>C. VCF-style: chr5-14487468-G-C. GRCh37 (hg19) VCF-style: chr5-14487577-G-C.
Other names: short protein forms L2280F.
Identifiers: ClinVar variation 3629638 (VCV003629638.1).

ClinVar aggregate classification (germline): Uncertain significance (1 of 4 stars; one submission).

gnomAD v4.1: 1 of 1,093,132 alleles (0.000091%); highest among the groups gnomAD compares: Non-Finnish European, 0.00011%; no homozygotes.

Submission:

Women's Health and Genetics/Laboratory Corporation of America, LabCorp
Classification: Uncertain significance. Last evaluated: 2024-11-14. Review status: criteria provided, single submitter. Criteria: LabCorp Variant Classification Summary - May 2015. Collection method: clinical testing. Allele origin: germline.
Comment: Variant summary: TRIO c.6840G>C (p.Leu2280Phe) results in a non-conservative amino acid change located in the p63RhoGEF pleckstrin homology (PH) domain, repeat 2 of the encoded protein sequence. Four of five in-silico tools predict a damaging effect of the variant on protein function. The variant was absent in 112176 control chromosomes (gnomAD). The available data on variant occurrences in the general population are insufficient to allow any conclusion about variant significance. To our knowledge, no occurrence of c.6840G>C in individuals affected with TRIO-Related Intellectual Disability and no experimental evidence demonstrating its impact on protein function have been reported. No submitters have cited clinical-significance assessments for this variant to ClinVar. Based on the evidence outlined above, the variant was classified as uncertain significance.